The following is an entry in ClinVar:

NM_000553.6(WRN):c.2390G>C (p.Gly797Ala)

Gene: WRN (WRN RecQ like helicase; plus strand). Cytogenetic location: 8p12.
Variant type: single nucleotide variant.
Coding change: c.2390G>C on transcript NM_000553.6 (MANE Select); coding-DNA position 2390, G replaced by C.
Protein change: p.Gly797Ala; replaces glycine 797 with alanine.
Molecular consequence: missense variant.
Genome position (GRCh38, 1-based): chr8:31,116,470, G>C. VCF-style: chr8-31116470-G-C. GRCh37 (hg19) VCF-style: chr8-30973986-G-C.
Other names: short protein forms G797A.
Identifiers: ClinVar variation 2095785 (VCV002095785.4), dbSNP rs1289361749, ClinGen allele CA370913785.
Genomic context (GRCh38, chr8:31,116,470, plus strand): 5'-CACAACAAGTTACAGGTGAACTTAGGAAACTGAATCTATCCTGTGGAACATACCATGCGG[G>C]CATGAGTTTTAGCACAAGGAAAGACATTCATCATAGGTTTGTAAGAGATGAAATTCAGGT-3'
Protein context (NP_000544.2, residues 787-807): LNLSCGTYHA[Gly797Ala]MSFSTRKDIH

ClinVar aggregate classification (germline): Uncertain significance (1 of 4 stars; one submission).

Conditions:
Werner syndrome (WRN). Identifiers: Orphanet 902, MedGen C0043119, MONDO:0010196, OMIM 277700.

Submission:

Labcorp Genetics (formerly Invitae), Labcorp
Classification: Uncertain significance for Werner syndrome. Last evaluated: 2022-05-26. Review status: criteria provided, single submitter. Criteria: Invitae Variant Classification Sherloc (09022015). Collection method: clinical testing. Allele origin: germline.
Comment: In summary, the available evidence is currently insufficient to determine the role of this variant in disease. Therefore, it has been classified as a Variant of Uncertain Significance. Algorithms developed to predict the effect of missense changes on protein structure and function are either unavailable or do not agree on the potential impact of this missense change (SIFT: "Not Available"; PolyPhen-2: "Probably Damaging"; Align-GVGD: "Not Available"). This variant has not been reported in the literature in individuals affected with WRN-related conditions. This variant is not present in population databases (gnomAD no frequency). This sequence change replaces glycine, which is neutral and non-polar, with alanine, which is neutral and non-polar, at codon 797 of the WRN protein (p.Gly797Ala).